The following is an entry in ClinVar:

ClinVar aggregate classification (germline): Uncertain significance (1 of 4 stars; one submission).

Conditions:
Deficiency of UDPglucose-hexose-1-phosphate uridylyltransferase. Also called: GALACTOSE-1-PHOSPHATE URIDYLYLTRANSFERASE DEFICIENCY; GALT deficiency; Galactosemia, classic; GALACTOSEMIA I; Transferase Deficiency Galactosemia. Identifiers: Orphanet 352, Orphanet 79239, MedGen C0268151, MONDO:0009258, OMIM 230400.

Submission:

Myriad Genetics, Inc.
Classification: Uncertain significance for Deficiency of UDPglucose-hexose-1-phosphate uridylyltransferase. Last evaluated: 2026-03-12. Review status: criteria provided, single submitter. Criteria: Myriad Autosomal Dominant, Autosomal Recessive and X-Linked Classification Criteria (2023). Collection method: clinical testing. Allele origin: unknown.
Comment: NM_000155.3(GALT):c.489_495del7ins4(Q164_Y165delinsS) is an in-frame deletion classified as a variant of uncertain significance in the context of galactosemia. Q164_Y165delinsS has not been observed in cases with relevant disease. Relevant functional assessments of this variant are not available in the literature. Q164_Y165delinsS has not been observed in referenced population frequency databases. In summary, there is insufficient evidence to classify NM_000155.3(GALT):c.489_495del7ins4(Q164_Y165delinsS) as pathogenic or benign. Please note: this variant was assessed in the context of healthy population screening.

NM_000155.4(GALT):c.489_495delinsATCA (p.Gln164_Tyr165delinsSer)

Gene: GALT (galactose-1-phosphate uridylyltransferase; plus strand). Cytogenetic location: 9p13.3.
Variant type: Indel.
Coding change: c.489_495delinsATCA on transcript NM_000155.4 (MANE Select); coding-DNA positions 489 to 495, CCAGTAC replaced by ATCA.
Protein change: p.Gln164_Tyr165delinsSer.
Molecular consequence: inframe indel.
Genome position (GRCh38, 1-based): chr9:34,647,943-34,647,949, CCAGTAC replaced by ATCA. VCF-style: chr9-34647943-CCAGTAC-ATCA. GRCh37 (hg19) VCF-style: chr9-34647940-CCAGTAC-ATCA.
Other names: c.162_168delinsATCA, p.Gln55_Tyr56delinsSer (NM_001258332.2).
Identifiers: ClinVar variation 5004530 (VCV005004530.1).